The following is an entry in ClinVar:

NM_001378609.3(OTOGL):c.3020T>C (p.Val1007Ala)

Gene: OTOGL (otogelin like; plus strand). Cytogenetic location: 12q21.31.
Variant type: single nucleotide variant.
Coding change: c.3020T>C on transcript NM_001378609.3 (MANE Select); coding-DNA position 3020, T replaced by C.
Protein change: p.Val1007Ala; replaces valine 1007 with alanine.
Molecular consequence: missense variant. On other transcripts: intron variant (1).
Genome position (GRCh38, 1-based): chr12:80,296,918, T>C. VCF-style: chr12-80296918-T-C. GRCh37 (hg19) VCF-style: chr12-80690698-T-C.
Other names: c.3020T>C, p.Val1007Ala (NM_001378610.3, NM_173591.7); c.2929-5716T>C (NM_001368062.3); short protein forms V998A, V1007A.
Identifiers: ClinVar variation 227818 (VCV000227818.16), dbSNP rs202051419, ClinGen allele CA6700950.

ClinVar aggregate classification (germline): Likely benign. Review status: criteria provided, multiple submitters, no conflicts (2 of 4 stars). 4 submissions from 4 submitters: Likely benign (4). Last evaluated 2025-09-22.

Conditions:
OTOGL-related disorder. Also called: OTOGL-related condition.
Inborn genetic diseases. Identifiers: MedGen C0950123, MeSH D030342.

Allele frequency attached by ClinVar (database versions not stated): gnomAD exomes 0.00008 and 0.00018; 1000 Genomes Project 30x 0.00016; 1000 Genomes Project 0.00020; ExAC 0.00068; gnomAD 0.00070 and 0.00080; TOPMed 0.00090; ESP Exome Variant Server 0.00110.
gnomAD v4.1: 228 of 1,550,874 alleles (0.015%); highest among the groups gnomAD compares: African/African-American, 0.23%; no homozygotes.

Submissions (4):

Labcorp Genetics (formerly Invitae), Labcorp
Classification: Likely benign. Last evaluated: 2025-09-22. Review status: criteria provided, single submitter. Criteria: Invitae Variant Classification Sherloc (09022015). Collection method: clinical testing. Allele origin: germline.

PreventionGenetics, part of Exact Sciences
Classification: Likely benign for OTOGL-related condition. Last evaluated: 2025-02-05. Review status: criteria provided, single submitter. Criteria: ACMG Guidelines, 2015. Collection method: clinical testing. Allele origin: germline.
Comment: This variant is classified as likely benign based on ACMG/AMP sequence variant interpretation guidelines (Richards et al. 2015 PMID: 25741868, with internal and published modifications).

Ambry Genetics
Classification: Likely benign for Inborn genetic diseases. Last evaluated: 2024-02-27. Review status: criteria provided, single submitter. Criteria: Ambry Variant Classification Scheme 2023. Collection method: clinical testing. Allele origin: germline.

Laboratory for Molecular Medicine, Mass General Brigham Personalized Medicine
Classification: Likely benign. Last evaluated: 2015-07-20. Review status: criteria provided, single submitter. Criteria: LMM Criteria. Collection method: clinical testing. Allele origin: germline. Observed: 3 variant alleles.
Comment: p.Val998Ala in exon 26 of OTOGL: This variant is not expected to have clinical s ignificance because it has been identified in 0.4% (11/2572) of African chromoso mes by the xome Aggregation Consortium (ExAC; db SNP rs202051419).